The following is an entry in ClinVar:

ClinVar aggregate classification (germline): Uncertain significance (1 of 4 stars; one submission).

Allele frequency attached by ClinVar (database versions not stated): gnomAD 0.00001.
gnomAD v4.1: 7 of 1,613,028 alleles (0.00043%); highest among the groups gnomAD compares: Non-Finnish European, 0.00042%; no homozygotes.

Submission:

Labcorp Genetics (formerly Invitae), Labcorp
Classification: Uncertain significance. Last evaluated: 2026-01-05. Review status: criteria provided, single submitter. Criteria: Invitae Variant Classification Sherloc (09022015). Collection method: clinical testing. Allele origin: germline.
Comment: This sequence change replaces valine, which is neutral and non-polar, with glycine, which is neutral and non-polar, at codon 3304 of the HERC1 protein (p.Val3304Gly). This variant is present in population databases (no rsID available, gnomAD 0.003%). This variant has not been reported in the literature in individuals affected with HERC1-related conditions. ClinVar contains an entry for this variant (Variation ID: 2875450). Invitae Evidence Modeling of protein sequence and biophysical properties (such as structural, functional, and spatial information, amino acid conservation, physicochemical variation, residue mobility, and thermodynamic stability) indicates that this missense variant is not expected to disrupt HERC1 protein function with a negative predictive value of 80%. In summary, the available evidence is currently insufficient to determine the role of this variant in disease. Therefore, it has been classified as a Variant of Uncertain Significance.

NM_003922.4(HERC1):c.9911T>G (p.Val3304Gly)

Gene: HERC1 (HECT and RLD domain containing E3 ubiquitin protein ligase family member 1; minus strand). Cytogenetic location: 15q22.31.
Variant type: single nucleotide variant.
Coding change: c.9911T>G on transcript NM_003922.4 (MANE Select); coding-DNA position 9911, T replaced by G.
Protein change: p.Val3304Gly; replaces valine 3304 with glycine.
Molecular consequence: missense variant.
Genome position (GRCh38, 1-based): chr15:63,655,915, A>C on the plus strand (T>G on the coding strand, the complement: HERC1 is on the minus strand). VCF-style: chr15-63655915-A-C. GRCh37 (hg19) VCF-style: chr15-63948114-A-C.
Other names: short protein forms V3304G.
Identifiers: ClinVar variation 2875450 (VCV002875450.3), dbSNP rs780088688, ClinGen allele CA392756933.